The following is an entry in ClinVar:

ClinVar aggregate classification (germline): Conflicting classifications of pathogenicity. Review status: criteria provided, conflicting classifications (1 of 4 stars). 6 submissions from 6 submitters: Uncertain significance (3); Likely benign (1). 2 of the submissions do not count toward it. Last evaluated 2025-06-02.

Conditions:
Autosomal recessive limb-girdle muscular dystrophy type 2J (LGMDR10). Also called: MUSCULAR DYSTROPHY, LIMB-GIRDLE, AUTOSOMAL RECESSIVE 10; Limb-girdle muscular dystrophy, type 2J. Identifiers: Orphanet 140922, MedGen C1837342, MONDO:0012127, OMIM 608807.
Dilated cardiomyopathy 1G (CMD1G). Identifiers: Orphanet 154, MedGen C1858763, MONDO:0011400, OMIM 604145.

Allele frequency attached by ClinVar (database versions not stated): gnomAD 0.00001 and 0.00002; gnomAD exomes 0.00002 and 0.00003; TOPMed 0.00002.
gnomAD v4.1: 46 of 1,613,346 alleles (0.0029%); highest among the groups gnomAD compares: Non-Finnish European, 0.0034%; no homozygotes.

Submissions (6):

Women's Health and Genetics/Laboratory Corporation of America, LabCorp
Classification: Uncertain significance. Last evaluated: 2025-06-02. Review status: criteria provided, single submitter. Criteria: LabCorp Variant Classification Summary - May 2015. Collection method: clinical testing. Allele origin: germline.

Blueprint Genetics
Classification: Likely benign. Last evaluated: 2024-06-26. Review status: criteria provided, single submitter. Criteria: ACMG Guidelines, 2015. Collection method: clinical testing. Allele origin: germline.

Labcorp Genetics (formerly Invitae), Labcorp
Classification: Uncertain significance for Dilated cardiomyopathy 1G; Autosomal recessive limb-girdle muscular dystrophy type 2J. Last evaluated: 2017-06-01. Review status: criteria provided, single submitter. Criteria: Invitae Variant Classification Sherloc (09022015). Collection method: clinical testing. Allele origin: germline.

GeneDx
Classification: Uncertain significance. Last evaluated: 2013-09-16. Review status: criteria provided, single submitter. Criteria: GeneDx Variant Classification (06012015). Collection method: clinical testing. Allele origin: germline. Affected: yes.
Comment: Missense variants in the TTN gene are considered 'unclassified' if they are not previously reported in the literature and do not have >1% frequency in the population to be considered a polymorphism. Research indicates that truncating mutations in the TTN gene are expected to account for approximately 25% of familial and 18% of sporadic idiopathic DCM; however, truncating variants in the TTN gene have been reported in approximately 3% of reported control alleles. There has been little investigation into non-truncating variants. (Herman D et al. Truncations of titin causing dilated cardiomyopathy. N Eng J Med 366:619-628, 2012) The variant is found in DCM panel(s).

Diagnostic Laboratory, Department of Genetics, University Medical Center Groningen
Classification: Uncertain significance. Review status: no assertion criteria provided. Collection method: clinical testing. Allele origin: germline. Affected: yes. Study: VKGL Data-share Consensus. Not counted in ClinVar's aggregate classification.

Joint Genome Diagnostic Labs from Nijmegen and Maastricht, Radboudumc and MUMC+
Classification: Uncertain significance. Review status: no assertion criteria provided. Collection method: clinical testing. Allele origin: germline. Affected: yes. Study: VKGL Data-share Consensus. Not counted in ClinVar's aggregate classification.

NM_001267550.2(TTN):c.91385G>A (p.Arg30462Gln)

Genes: TTN (titin; minus strand), TTN-AS1 (TTN antisense RNA 1; plus strand). Cytogenetic location: 2q31.2.
Variant type: single nucleotide variant.
Coding change: c.91385G>A on transcript NM_001267550.2 (MANE Select); coding-DNA position 91385, G replaced by A.
Protein change: p.Arg30462Gln; replaces arginine 30462 with glutamine.
Molecular consequence: missense variant.
Genome position (GRCh38, 1-based): chr2:178,551,146, C>T on the plus strand (G>A on the coding strand, the complement: TTN is on the minus strand). VCF-style: chr2-178551146-C-T. GRCh37 (hg19) VCF-style: chr2-179415873-C-T.
Other names: p.R28821Q:CGG>CAG; c.86462G>A, p.Arg28821Gln (NM_001256850.1); c.64190G>A, p.Arg21397Gln (NM_003319.4); c.83681G>A, p.Arg27894Gln (NM_133378.4); c.64565G>A, p.Arg21522Gln (NM_133432.3); c.64766G>A, p.Arg21589Gln (NM_133437.4); short protein forms R28821Q, R30462Q, R21522Q, R21589Q, R21397Q, R27894Q.
Identifiers: ClinVar variation 202980 (VCV000202980.8), dbSNP rs794729529, ClinGen allele CA310878.